The following is an entry in ClinVar:

NC_012920.1(MT-ND4):m.11963G>A

Gene: MT-ND4 (mitochondrially encoded NADH dehydrogenase 4; plus strand).
Variant type: single nucleotide variant.
Genome position: chrM-11963-G-A.
Identifiers: ClinVar variation 693390 (VCV000693390.1), dbSNP rs201803948, ClinGen allele CA337099357.
Genomic context (GRCh38, chrMT:11,963, plus strand): 5'-CTAGTAACCACGTTCTCCTGATCAAATATCACTCTCCTACTTACAGGACTCAACATACTA[G>A]TCACAGCCCTATACTCCCTCTACATATTTACCACAACACAATGGGGCTCACTCACCCACC-3'

ClinVar aggregate classification (germline): Benign (1 of 4 stars; one submission).

Conditions:
Leigh syndrome (NULS). Also called: Leigh's necrotizing encephalopathy; Leigh's disease; Leigh Syndrome (mtDNA deletion); Leigh Disease; Subacute necrotizing encephalopathy; Necrotizing encephalopathy infantile subacute of Leigh. Identifiers: Orphanet 506, MedGen C2931891, MONDO:0009723, OMIM 256000.

Submission:

Wong Mito Lab, Molecular and Human Genetics, Baylor College of Medicine
Classification: Benign for Leigh syndrome. Last evaluated: 2019-10-17. Review status: criteria provided, single submitter. Criteria: Modified ACMG Guidelines (Unpublished). Collection method: clinical testing. Allele origin: germline.
Comment: The NC_012920.1:m.11963G>A (YP_003024035.1:p.Val402Ile) variant in MTND4 gene is interpretated to be a Benign variant based on the modified ACMG guidelines (unpublished). This variant meets the following evidence codes: BS1, BS2, BP4